The following is an entry in ClinVar:

ClinVar aggregate classification (germline): Uncertain significance. Review status: criteria provided, multiple submitters, no conflicts (2 of 4 stars). 6 submissions from 6 submitters: Uncertain significance (6). Last evaluated 2025-01-12.

Conditions:
Hyperparathyroidism 4 (HRPT4). Identifiers: MedGen C4479229, MONDO:0024570, OMIM 617343.
Hypoparathyroidism, familial isolated, 2. Identifiers: MedGen C5394383, MONDO:0020798, OMIM 618883.
Familial hypoparathyroidism. Also called: Familial isolated hypoparathyroidism. Identifiers: Orphanet 2238, MedGen C1832648, MONDO:0016390.

Allele frequency attached by ClinVar (database versions not stated): ExAC 0.00008; TOPMed 0.00004; gnomAD 0.00005 and 0.00006; ESP Exome Variant Server 0.00015; gnomAD exomes 0.00006.

Submissions (6):

Labcorp Genetics (formerly Invitae), Labcorp
Classification: Uncertain significance. Last evaluated: 2025-01-12. Review status: criteria provided, single submitter. Criteria: Invitae Variant Classification Sherloc (09022015). Collection method: clinical testing. Allele origin: germline.
Comment: This sequence change replaces valine, which is neutral and non-polar, with methionine, which is neutral and non-polar, at codon 382 of the GCM2 protein (p.Val382Met). This variant is present in population databases (rs371918069, gnomAD 0.02%), including at least one homozygous and/or hemizygous individual. This missense change has been observed in individual(s) with hyperparathyroidism (PMID: 33471711, 33536578). ClinVar contains an entry for this variant (Variation ID: 905292). Invitae Evidence Modeling of protein sequence and biophysical properties (such as structural, functional, and spatial information, amino acid conservation, physicochemical variation, residue mobility, and thermodynamic stability) indicates that this missense variant is expected to disrupt GCM2 protein function with a positive predictive value of 80%. Experimental studies have shown that this missense change affects GCM2 function (PMID: 27745835, 32576032, 35038313). In summary, the available evidence is currently insufficient to determine the role of this variant in disease. Therefore, it has been classified as a Variant of Uncertain Significance.

Blueprint Genetics
Classification: Uncertain significance. Last evaluated: 2024-11-26. Review status: criteria provided, single submitter. Criteria: ACMG Guidelines, 2015. Collection method: clinical testing. Allele origin: germline.

GeneDx
Classification: Uncertain significance. Last evaluated: 2024-03-20. Review status: criteria provided, single submitter. Criteria: GeneDx Variant Classification Process June 2021. Collection method: clinical testing. Allele origin: germline. Affected: yes.
Comment: In silico analysis supports that this missense variant does not alter protein structure/function; This variant is associated with the following publications: (PMID: 33536578, 30848815, 32576032, 33471711, 27745835, 21642377, 35038313, 25279501, 34967908, 30624640, 29264504, 37449924, 37223014, 37160841, 30475215, 36777354)

Fulgent Genetics
Classification: Uncertain significance for Hyperparathyroidism 4; Hypoparathyroidism, familial isolated, 2. Last evaluated: 2022-05-03. Review status: criteria provided, single submitter. Criteria: ACMG Guidelines, 2015. Collection method: clinical testing. Allele origin: unknown.

Department of Pathology and Laboratory Medicine, Sinai Health System
Classification: Uncertain significance for Hyperparathyroidism 4; Hypoparathyroidism, familial isolated, 2. Last evaluated: 2021-10-21. Review status: criteria provided, single submitter. Criteria: ACMG Guidelines, 2015. Collection method: research. Allele origin: germline.

Illumina Laboratory Services, Illumina
Classification: Uncertain significance for Hypoparathyroidism, familial isolated 1. Last evaluated: 2018-03-06. Review status: criteria provided, single submitter. Criteria: ICSL Variant Classification Criteria 13 December 2019. Collection method: clinical testing. Allele origin: germline.
Comment: This variant was observed as part of a predisposition screen in an ostensibly healthy population. A literature search was performed for the gene, cDNA change, and amino acid change (where applicable). Publications were found based on this search. However, the evidence from the literature, in combination with allele frequency data from public databases where available, was not sufficient to rule this variant in or out of causing disease. Therefore, this variant is classified as a variant of unknown significance.

Literature cited by the submitters: PubMed 33471711 (cited by Labcorp Genetics (formerly Invitae), Labcorp); PubMed 33536578 (cited by Labcorp Genetics (formerly Invitae), Labcorp); PubMed 27745835 (cited by Labcorp Genetics (formerly Invitae), Labcorp and Illumina Laboratory Services, Illumina); PubMed 32576032 (cited by Labcorp Genetics (formerly Invitae), Labcorp); PubMed 35038313 (cited by Labcorp Genetics (formerly Invitae), Labcorp); PubMed 29264504 (cited by Illumina Laboratory Services, Illumina); PubMed 21642377 (cited by Illumina Laboratory Services, Illumina).

NM_004752.4(GCM2):c.1144G>A (p.Val382Met)

Gene: GCM2 (GCM transcription factor 2; minus strand). Cytogenetic location: 6p24.2.
Variant type: single nucleotide variant.
Coding change: c.1144G>A on transcript NM_004752.4 (MANE Select); coding-DNA position 1144, G replaced by A.
Protein change: p.Val382Met; replaces valine 382 with methionine.
Molecular consequence: missense variant.
Genome position (GRCh38, 1-based): chr6:10,874,372, C>T on the plus strand (G>A on the coding strand, the complement: GCM2 is on the minus strand). VCF-style: chr6-10874372-C-T. GRCh37 (hg19) VCF-style: chr6-10874605-C-T.
Other names: short protein forms V382M.
Identifiers: ClinVar variation 905292 (VCV000905292.10), dbSNP rs371918069, ClinGen allele CA3633940.